The following is an entry in ClinVar:

ClinVar aggregate classification (germline): Pathogenic/Likely pathogenic. Review status: criteria provided, multiple submitters, no conflicts (2 of 4 stars). 3 submissions from 3 submitters: Pathogenic (2); Likely pathogenic (1). Last evaluated 2025-09-26.

Conditions:
Cardiovascular phenotype. Identifiers: MedGen CN230736.
Catecholaminergic polymorphic ventricular tachycardia 1. Also called: VENTRICULAR TACHYCARDIA, CATECHOLAMINERGIC POLYMORPHIC, 1, WITH OR WITHOUT ATRIAL DYSFUNCTION AND/OR DILATED CARDIOMYOPATHY; VENTRICULAR TACHYCARDIA, STRESS-INDUCED POLYMORPHIC 1; RYR2-Related Catecholaminergic Polymorphic Ventricular Tachycardia. Identifiers: Orphanet 3286, MedGen C1631597, MONDO:0011484, OMIM 604772.

Submissions (3):

GeneDx
Classification: Likely pathogenic. Last evaluated: 2025-09-26. Review status: criteria provided, single submitter. Criteria: GeneDx Variant Classification Process June 2021. Collection method: clinical testing. Allele origin: germline.
Comment: Frameshift variant predicted to result in protein truncation or nonsense mediated decay in a gene for which loss of function is a known mechanism of disease; Not observed at significant frequency in large population cohorts (gnomAD); Has not been previously published as pathogenic or benign to our knowledge

Labcorp Genetics (formerly Invitae), Labcorp
Classification: Pathogenic for Catecholaminergic polymorphic ventricular tachycardia 1. Last evaluated: 2025-05-19. Review status: criteria provided, single submitter. Criteria: Invitae Variant Classification Sherloc (09022015). Collection method: clinical testing. Allele origin: germline.
Comment: This sequence change creates a premature translational stop signal (p.Ala88Serfs*22) in the CASQ2 gene. It is expected to result in an absent or disrupted protein product. Loss-of-function variants in CASQ2 are known to be pathogenic (PMID: 12386154). This variant is not present in population databases (gnomAD no frequency). This variant has not been reported in the literature in individuals affected with CASQ2-related conditions. ClinVar contains an entry for this variant (Variation ID: 1793918). For these reasons, this variant has been classified as Pathogenic.

Ambry Genetics
Classification: Pathogenic for Cardiovascular phenotype. Last evaluated: 2017-03-27. Review status: criteria provided, single submitter. Criteria: Ambry Variant Classification Scheme 2023. Collection method: clinical testing. Allele origin: germline.
Comment: The c.261dupA pathogenic mutation, located in coding exon 2 of the CASQ2 gene, results from a duplication of A at nucleotide position 261, causing a translational frameshift with a predicted alternate stop codon (p.A88Sfs*22). This alteration is expected to result in loss of function by premature protein truncation or nonsense-mediated mRNA decay. As such, this alteration is interpreted as a disease-causing mutation.

Literature cited by the submitters: PubMed 12386154 (cited by Labcorp Genetics (formerly Invitae), Labcorp).

NM_001232.4(CASQ2):c.261dup (p.Ala88fs)

Gene: CASQ2 (calsequestrin 2; minus strand). Cytogenetic location: 1p13.1.
Variant type: Duplication.
Coding change: c.261dup on transcript NM_001232.4 (MANE Select); coding-DNA position 261, one base duplicated (A; older notation c.261dupA).
Protein change: p.Ala88fs; shifts the reading frame from alanine 88.
Molecular consequence: frameshift variant.
Genome position (GRCh38, 1-based): chr1:115,744,886, T duplicated on the plus strand (A on the coding strand, the reverse complement: CASQ2 is on the minus strand); the first of 3 consecutive T bases (chr1:115,744,886-115,744,888); duplicating any one gives the same sequence. VCF-style (leftmost placement, unchanged base first): chr1-115744885-C-CT. GRCh37 (hg19) VCF-style: chr1-116287506-C-CT.
Other names: c.261dupA (NM_001232.3); c.261dup (NM_001232.3); short protein forms A88fs.
Identifiers: ClinVar variation 1793918 (VCV001793918.4), dbSNP rs1207800938, ClinGen allele CA2580060848.
Genomic context (GRCh38, chr1:115,744,885, plus strand): 5'-TACCCAGTTTCTTGGCAAGCTTGGCTTCTTTCTTGGCATCCACCATCACAAAGCCTATAG[C>CT]TTTATGTTCAAGGACCTGGGCCACAAGCTGAAGAAACAAATGGAAAGATGAGTGTGCTAA-3'